The following is an entry in ClinVar:

NM_024101.7(MLPH):c.1541T>C (p.Ile514Thr)

Gene: MLPH (melanophilin; plus strand). Cytogenetic location: 2q37.3.
Variant type: single nucleotide variant.
Coding change: c.1541T>C on transcript NM_024101.7 (MANE Select); coding-DNA position 1541, T replaced by C.
Protein change: p.Ile514Thr; replaces isoleucine 514 with threonine.
Molecular consequence: missense variant. On other transcripts: non-coding transcript variant (1).
Genome position (GRCh38, 1-based): chr2:237,546,607, T>C. VCF-style: chr2-237546607-T-C. GRCh37 (hg19) VCF-style: chr2-238455250-T-C.
Other names: c.1457T>C, p.Ile486Thr (NM_001042467.3); c.1181T>C, p.Ile394Thr (NM_001281473.2); c.1112T>C, p.Ile371Thr (NM_001281474.2); short protein forms I486T, I394T, I514T, I371T.
Identifiers: ClinVar variation 1953894 (VCV001953894.5), dbSNP rs1475155554, ClinGen allele CA351212331.

ClinVar aggregate classification (germline): Uncertain significance (1 of 4 stars; one submission).

Allele frequency attached by ClinVar (database versions not stated): gnomAD exomes below 0.00001; gnomAD 0.00001; TOPMed 0.00001.
gnomAD v4.1: 3 of 1,613,968 alleles (0.00019%); highest among the groups gnomAD compares: African/African-American, 0.0027%; no homozygotes.

Submission:

Labcorp Genetics (formerly Invitae), Labcorp
Classification: Uncertain significance. Last evaluated: 2022-05-12. Review status: criteria provided, single submitter. Criteria: Invitae Variant Classification Sherloc (09022015). Collection method: clinical testing. Allele origin: germline.
Comment: In summary, the available evidence is currently insufficient to determine the role of this variant in disease. Therefore, it has been classified as a Variant of Uncertain Significance. Algorithms developed to predict the effect of missense changes on protein structure and function (SIFT, PolyPhen-2, Align-GVGD) all suggest that this variant is likely to be tolerated. This variant has not been reported in the literature in individuals affected with MLPH-related conditions. This variant is present in population databases (no rsID available, gnomAD 0.01%). This sequence change replaces isoleucine, which is neutral and non-polar, with threonine, which is neutral and polar, at codon 514 of the MLPH protein (p.Ile514Thr).